The following is an entry in ClinVar:

NM_182914.3(SYNE2):c.19543-8C>A

Gene: SYNE2 (spectrin repeat containing nuclear envelope protein 2; plus strand). Cytogenetic location: 14q23.2.
Variant type: single nucleotide variant.
Coding change: c.19543-8C>A on transcript NM_182914.3 (MANE Select); 8 bases into the intron before coding-DNA position 19543, C replaced by A.
Molecular consequence: intron variant.
Genome position (GRCh38, 1-based): chr14:64,218,390, C>A. VCF-style: chr14-64218390-C-A. GRCh37 (hg19) VCF-style: chr14-64685108-C-A.
Other names: c.19474-8C>A (NM_015180.6); c.445-8C>A (NM_182913.4); c.67-8C>A (NM_182910.2).
Identifiers: ClinVar variation 839094 (VCV000839094.9), dbSNP rs746189092, ClinGen allele CA916083378.

ClinVar aggregate classification (germline): Uncertain significance (1 of 4 stars; one submission).

Conditions:
Emery-Dreifuss muscular dystrophy 5, autosomal dominant (EDMD5). Also called: EMERY-DREIFUSS MUSCULAR DYSTROPHY 5. Identifiers: Orphanet 261, MedGen C2751805, MONDO:0013072, OMIM 612999.

Allele frequency attached by ClinVar (database versions not stated): TOPMed below 0.00001.
gnomAD v4.1: 1 of 1,613,528 alleles (0.000062%); highest among the groups gnomAD compares: Admixed American, 0.0017%; no homozygotes.

Submission:

Labcorp Genetics (formerly Invitae), Labcorp
Classification: Uncertain significance for Emery-Dreifuss muscular dystrophy 5, autosomal dominant. Last evaluated: 2023-02-17. Review status: criteria provided, single submitter. Criteria: Invitae Variant Classification Sherloc (09022015). Collection method: clinical testing. Allele origin: germline.
Comment: This sequence change falls in intron 108 of the SYNE2 gene. It does not directly change the encoded amino acid sequence of the SYNE2 protein. This variant is not present in population databases (gnomAD no frequency). This variant has not been reported in the literature in individuals affected with SYNE2-related conditions. ClinVar contains an entry for this variant (Variation ID: 839094). Algorithms developed to predict the effect of sequence changes on RNA splicing suggest that this variant may disrupt the consensus splice site. In summary, the available evidence is currently insufficient to determine the role of this variant in disease. Therefore, it has been classified as a Variant of Uncertain Significance.